The following is an entry in ClinVar:

NM_000049.4(ASPA):c.71A>G (p.Glu24Gly)

Genes: ASPA (aspartoacylase; plus strand), SPATA22 (spermatogenesis associated 22; minus strand). Cytogenetic location: 17p13.2.
Variant type: single nucleotide variant.
Coding change: c.71A>G on transcript NM_000049.4 (MANE Select); coding-DNA position 71, A replaced by G.
Protein change: p.Glu24Gly; replaces glutamic acid 24 with glycine.
Molecular consequence: missense variant. On other transcripts: intron variant (2).
Genome position (GRCh38, 1-based): chr17:3,476,230, A>G. VCF-style: chr17-3476230-A-G. GRCh37 (hg19) VCF-style: chr17-3379524-A-G.
Other names: c.71A>G (NM_000049.2); c.71A>G, p.Glu24Gly (NM_001128085.1); c.-73-6832T>C (NM_001321336.2, NM_001321337.2); short protein forms E24G.
Identifiers: ClinVar variation 2614 (VCV000002614.6), dbSNP rs104894551, ClinGen allele CA252362.

ClinVar aggregate classification (germline): Likely pathogenic. Review status: criteria provided, multiple submitters, no conflicts (2 of 4 stars). 3 submissions from 3 submitters: Likely pathogenic (2). 1 of the submissions does not count toward it. Last evaluated 2025-02-07.

Conditions:
Spongy degeneration of central nervous system. Also called: Von Bogaert-Bertrand disease; ACY2 DEFICIENCY; AMINOACYLASE 2 DEFICIENCY; ASP DEFICIENCY; ASPA DEFICIENCY; ASPARTOACYLASE DEFICIENCY. Identifiers: Orphanet 141, MedGen C0206307, MONDO:0010079, OMIM 271900.

Allele frequency attached by ClinVar (database versions not stated): gnomAD exomes below 0.00001.
gnomAD v4.1: 1 of 1,614,172 alleles (0.000062%); highest among the groups gnomAD compares: South Asian, 0.0011%; no homozygotes.

Submissions (3):

Natera, Inc.
Classification: Likely pathogenic for Canavan Disease. Last evaluated: 2025-02-07. Review status: criteria provided, single submitter. Criteria: Natera Variant Classification Schema (03/2026). Collection method: clinical testing. Allele origin: germline.
Comment: The c.71A>G variant in ASPA is a missense variant predicted to cause substitution of glutamic acid to glycine at amino acid 24. This variant is rare in the general population with a frequency below the threshold expected for the associated phenotype(s). This variant has been observed in one or more individuals affected with the associated recessive disease, as either homozygous or compound heterozygous with a second variant (PMID: 12638939). Functional studies show that this variant may disrupt protein function (PMID: 17391648). Computational prediction algorithms indicate this variant is likely to affect gene or protein function. Given the available evidence, this variant is classified as Likely Pathogenic.

Baylor Genetics
Classification: Likely pathogenic for Spongy degeneration of central nervous system. Last evaluated: 2023-12-13. Review status: criteria provided, single submitter. Criteria: ACMG Guidelines, 2015. Collection method: clinical testing. Allele origin: unknown.

OMIM
Classification: Pathogenic for CANAVAN DISEASE. Last evaluated: 2002-11-01. Review status: no assertion criteria provided. Collection method: literature only. Allele origin: germline. Not counted in ClinVar's aggregate classification.

Literature cited by the submitters: PubMed 12638939 (cited by Natera, Inc. and OMIM); PubMed 17391648 (cited by Natera, Inc.).